The following is an entry in ClinVar:

NM_015047.3(EMC1):c.5C>T (p.Ala2Val)

Gene: EMC1 (ER membrane protein complex subunit 1; minus strand). Cytogenetic location: 1p36.13.
Variant type: single nucleotide variant.
Coding change: c.5C>T on transcript NM_015047.3 (MANE Select); coding-DNA position 5, C replaced by T.
Protein change: p.Ala2Val; replaces alanine 2 with valine.
Molecular consequence: missense variant.
Genome position (GRCh38, 1-based): chr1:19,251,505, G>A on the plus strand (C>T on the coding strand, the complement: EMC1 is on the minus strand). VCF-style: chr1-19251505-G-A. GRCh37 (hg19) VCF-style: chr1-19577999-G-A.
Other names: c.5C>T, p.Ala2Val (NM_001271427.2, NM_001271428.2, NM_001271429.2 and 2 more transcripts); short protein forms A2V.
Identifiers: ClinVar variation 963796 (VCV000963796.7), dbSNP rs749957590, ClinGen allele CA653081.

ClinVar aggregate classification (germline): Uncertain significance (1 of 4 stars; one submission).

Allele frequency attached by ClinVar (database versions not stated): gnomAD 0.00004; TOPMed 0.00005; ExAC 0.00013.
gnomAD v4.1: 37 of 1,613,982 alleles (0.0023%); highest among the groups gnomAD compares: East Asian, 0.076%; no homozygotes.

Submission:

Labcorp Genetics (formerly Invitae), Labcorp
Classification: Uncertain significance. Last evaluated: 2025-12-19. Review status: criteria provided, single submitter. Criteria: Invitae Variant Classification Sherloc (09022015). Collection method: clinical testing. Allele origin: germline.
Comment: This sequence change replaces alanine, which is neutral and non-polar, with valine, which is neutral and non-polar, at codon 2 of the EMC1 protein (p.Ala2Val). This variant is present in population databases (rs749957590, gnomAD 0.2%). This variant has not been reported in the literature in individuals affected with EMC1-related conditions. ClinVar contains an entry for this variant (Variation ID: 963796). An algorithm developed to predict the effect of missense changes on protein structure and function outputs the following: PolyPhen-2: "Benign". The valine amino acid residue is found in multiple mammalian species, which suggests that this missense change does not adversely affect protein function. In summary, the available evidence is currently insufficient to determine the role of this variant in disease. Therefore, it has been classified as a Variant of Uncertain Significance.